The following is an entry in ClinVar:

ClinVar aggregate classification (germline): Uncertain significance (1 of 4 stars; one submission).

Conditions:
Cardiomyopathy (CMYO). Also called: Cardiomyopathies. Identifiers: Orphanet 167848, MedGen C0878544, MONDO:0004994, HP:0001638. Inheritance: Various modes of inheritance.

Submission:

Color Diagnostics, LLC DBA Color Health
Classification: Uncertain significance for Cardiomyopathy. Last evaluated: 2023-12-05. Review status: criteria provided, single submitter. Criteria: ACMG Guidelines, 2015. Collection method: clinical testing. Allele origin: germline.
Comment: Variant of Uncertain Significance due to insufficient evidence: This missense variant is located in the cytoplasmic domain of the RYR2 protein. Computational prediction tools and conservation analyses suggest that this variant may have deleterious impact on the protein function. Computational splicing tools suggest that this variant may not impact RNA splicing. To our knowledge, functional assays have not been performed for this variant nor has this variant been reported in individuals affected with cardiovascular disorders in the literature. This variant is rare in the general population and has been identified in 0/277264 chromosomes by the Genome Aggregation Database (gnomAD). Available evidence is insufficient to determine the role of this variant in disease conclusively.

NM_001035.3(RYR2):c.5182C>G (p.Pro1728Ala)

Gene: RYR2 (ryanodine receptor 2; plus strand). Cytogenetic location: 1q43.
Variant type: single nucleotide variant.
Coding change: c.5182C>G on transcript NM_001035.3 (MANE Select); coding-DNA position 5182, C replaced by G.
Protein change: p.Pro1728Ala; replaces proline 1728 with alanine.
Molecular consequence: missense variant.
Genome position (GRCh38, 1-based): chr1:237,614,310, C>G. VCF-style: chr1-237614310-C-G. GRCh37 (hg19) VCF-style: chr1-237777610-C-G.
Other names: short protein forms P1728A.
Identifiers: ClinVar variation 925189 (VCV000925189.5), dbSNP rs1678223407, ClinGen allele CA345404195.